The following is an entry in ClinVar:

ClinVar aggregate classification (germline): Pathogenic (1 of 4 stars; one submission).

Conditions:
Severe intellectual disability-progressive spastic diplegia syndrome (NEDSDV). Also called: NEURODEVELOPMENTAL DISORDER WITH SPASTIC DIPLEGIA AND VISUAL DEFECTS; CTNNB1 Neurodevelopmental Disorder. Identifiers: Orphanet 404473, MedGen C3554449, MONDO:0014035, OMIM 615075.

Submission:

Molecular Genetics Laboratory, Motol Hospital
Classification: Pathogenic for Severe intellectual disability-progressive spastic diplegia syndrome. Last evaluated: 2025-11-28. Review status: criteria provided, single submitter. Criteria: ACMG Guidelines, 2015. Collection method: clinical testing. Allele origin: germline. Affected: yes. Observed: 1 variant allele.
Comment: Not present in gnomAD (v4.1.0), dbSNP or ClinVar (PM2). Rare loss-of-function variants affecting the CTNNB1 gene are associated with autosomal dominant "neurodevelopmental disorder with spastic diplegia nad visual defects" (NEDSDV; MIM:615075; PMID:24614104;PMID:25325559;PMID:27915094;PMID:24668549) (PVS1). To conclude, the variant c.1857_1864del is classified as pathogenic (PVS1, PM2, PP4).

Literature cited by the submitters: PubMed 24614104; PubMed 25325559; PubMed 27915094; PubMed 24668549.

NM_001904.4(CTNNB1):c.1857_1864del (p.Glu620fs)

Gene: CTNNB1 (catenin beta 1; plus strand). Cytogenetic location: 3p22.1.
Variant type: Deletion.
Coding change: c.1857_1864del on transcript NM_001904.4 (MANE Select); coding-DNA positions 1857 to 1864, 8 bases deleted (TGAACTTG; older notation c.1857_1864delTGAACTTG).
Protein change: p.Glu620fs; shifts the reading frame from glutamic acid 620.
Molecular consequence: frameshift variant.
Genome position (GRCh38, 1-based): chr3:41,236,402-41,236,409, TGAACTTG deleted; deleting any 8 consecutive bases within chr3:41,236,400-41,236,409 gives the same sequence; the c. name uses the placement nearest the transcript's 3' end. VCF-style (leftmost placement, unchanged base first): chr3-41236399-CTGTGAACT-C. GRCh37 (hg19) VCF-style: chr3-41277890-CTGTGAACT-C.
Other names: c.1857_1864del, p.Glu620fs (NM_001098209.2, NM_001098210.2, NM_001438871.1 and 4 more transcripts); c.1836_1843del, p.Glu613fs (NM_001330729.2); short protein forms E613fs, E620fs.
Identifiers: ClinVar variation 4532787 (VCV004532787.1).